The following is an entry in ClinVar:

NM_003331.5(TYK2):c.3178G>C (p.Asp1060His)

Gene: TYK2 (tyrosine kinase 2; minus strand). Cytogenetic location: 19p13.2.
Variant type: single nucleotide variant.
Coding change: c.3178G>C on transcript NM_003331.5 (MANE Select); coding-DNA position 3178, G replaced by C.
Protein change: p.Asp1060His; replaces aspartic acid 1060 with histidine.
Molecular consequence: missense variant. On other transcripts: intron variant (1).
Genome position (GRCh38, 1-based): chr19:10,352,948, C>G on the plus strand (G>C on the coding strand, the complement: TYK2 is on the minus strand). VCF-style: chr19-10352948-C-G. GRCh37 (hg19) VCF-style: chr19-10463624-C-G.
Other names: c.3178G>C, p.Asp1060His (NM_001385197.1); c.2992G>C, p.Asp998His (NM_001385199.1); c.3175G>C, p.Asp1059His (NM_001385200.1); c.2980G>C, p.Asp994His (NM_001385201.1); c.3094G>C, p.Asp1032His (NM_001385202.1); c.3259G>C, p.Asp1087His (NM_001385203.1); c.3388G>C, p.Asp1130His (NM_001385204.1); c.3088G>C, p.Asp1030His (NM_001385205.1); and 3 more; short protein forms D1018H, D1030H, D1059H, D998H, D1060H, D1032H, D1054H, D1087H.
Identifiers: ClinVar variation 1394965 (VCV001394965.6), dbSNP rs2040886709, ClinGen allele CA403983427.

ClinVar aggregate classification (germline): Uncertain significance (1 of 4 stars; one submission).

Conditions:
Immunodeficiency 35 (IMD35). Also called: Susceptibility to infection due to TYK2 deficiency; HIES WITH ATYPICAL MYCOBACTERIOSIS, AUTOSOMAL RECESSIVE; HYPER-IgE SYNDROME WITH ATYPICAL MYCOBACTERIOSIS, AUTOSOMAL RECESSIVE; TYK2 DEFICIENCY. Identifiers: Orphanet 331226, MedGen C1969086, MONDO:0012682, OMIM 611521.

Submission:

Labcorp Genetics (formerly Invitae), Labcorp
Classification: Uncertain significance for Immunodeficiency 35. Last evaluated: 2021-11-25. Review status: criteria provided, single submitter. Criteria: Invitae Variant Classification Sherloc (09022015). Collection method: clinical testing. Allele origin: germline.
Comment: In summary, the available evidence is currently insufficient to determine the role of this variant in disease. Therefore, it has been classified as a Variant of Uncertain Significance. Algorithms developed to predict the effect of missense changes on protein structure and function are either unavailable or do not agree on the potential impact of this missense change (SIFT: "Not Available"; PolyPhen-2: "Probably Damaging"; Align-GVGD: "Not Available"). This variant has not been reported in the literature in individuals affected with TYK2-related conditions. This variant is not present in population databases (gnomAD no frequency). This sequence change replaces aspartic acid, which is acidic and polar, with histidine, which is basic and polar, at codon 1060 of the TYK2 protein (p.Asp1060His).